The following is an entry in ClinVar:

NM_001009944.3(PKD1):c.8948+3G>A

Gene: PKD1 (polycystin 1, transient receptor potential channel interacting; minus strand). Cytogenetic location: 16p13.3.
Variant type: single nucleotide variant.
Coding change: c.8948+3G>A on transcript NM_001009944.3 (MANE Select); 3 bases into the intron after coding-DNA position 8948, G replaced by A.
Molecular consequence: intron variant.
Genome position (GRCh38, 1-based): chr16:2,102,811, C>T on the plus strand (G>A on the coding strand, the complement: PKD1 is on the minus strand). VCF-style: chr16-2102811-C-T. GRCh37 (hg19) VCF-style: chr16-2152812-C-T.
Other names: c.8948+3G>A (NM_000296.4).
Identifiers: ClinVar variation 4985891 (VCV004985891.1).

ClinVar aggregate classification (germline): Likely benign (1 of 4 stars; one submission).

Conditions:
PKD1-related disorder. Also called: PKD1-related condition.

gnomAD v4.1: 10 of 1,610,020 alleles (0.00062%); highest among the groups gnomAD compares: South Asian, 0.0088%; no homozygotes.

Submission:

PreventionGenetics, part of Exact Sciences
Classification: Likely benign for PKD1-related condition. Last evaluated: 2025-01-25. Review status: criteria provided, single submitter. Criteria: ACMG Guidelines, 2015. Collection method: clinical testing. Allele origin: germline.
Comment: This variant is classified as likely benign based on ACMG/AMP sequence variant interpretation guidelines (Richards et al. 2015 PMID: 25741868, with internal and published modifications).